The following is an entry in ClinVar:

NM_000363.5(TNNI3):c.-47C>T

Gene: TNNI3 (troponin I3, cardiac type; minus strand). Cytogenetic location: 19q13.42.
Variant type: single nucleotide variant.
Coding change: c.-47C>T on transcript NM_000363.5 (MANE Select); 47 bases upstream of the start codon, C replaced by T.
Molecular consequence: 5 prime UTR variant.
Genome position (GRCh38, 1-based): chr19:55,157,636, G>A on the plus strand (C>T on the coding strand, the complement: TNNI3 is on the minus strand). VCF-style: chr19-55157636-G-A. GRCh37 (hg19) VCF-style: chr19-55669004-G-A.
Identifiers: ClinVar variation 188667 (VCV000188667.49), dbSNP rs202159627, ClinGen allele CA021732.

ClinVar aggregate classification (germline): Conflicting classifications of pathogenicity. Review status: criteria provided, conflicting classifications (1 of 4 stars). 8 submissions from 5 submitters: Uncertain significance (1); Benign (4); Likely benign (3). Last evaluated 2026-09-01.

Conditions:
Familial Hypertrophic Cardiomyopathy with Wolff-Parkinson-White Syndrome. Identifiers: MedGen CN239247.
Cardiomyopathy (CMYO). Also called: Cardiomyopathies. Identifiers: Orphanet 167848, MedGen C0878544, MONDO:0004994, HP:0001638. Inheritance: Various modes of inheritance.
Hypertrophic cardiomyopathy 7. Also called: CARDIOMYOPATHY, FAMILIAL HYPERTROPHIC, 7, MODIFIER OF; TNNI3-Related Familial Hypertrophic Cardiomyopathy; Familial hypertrophic cardiomyopathy 7. Identifiers: MedGen C1860752, MONDO:0013369, OMIM 613690.
Cardiomyopathy, familial restrictive, 1. Identifiers: Orphanet 75249, MedGen C1861861, MONDO:0007270, OMIM 115210.
Dilated cardiomyopathy 2A (CMD2A). Also called: CARDIOMYOPATHY, CONGESTIVE, AUTOSOMAL RECESSIVE; CARDIOMYOPATHY, DILATED, AUTOSOMAL RECESSIVE. Identifiers: Orphanet 154, MedGen C2678474, MONDO:0012746, OMIM 611880.

Allele frequency attached by ClinVar (database versions not stated): 1000 Genomes Project 30x 0.00250; 1000 Genomes Project 0.00260; gnomAD 0.00608 and 0.00625; TOPMed 0.00623; gnomAD exomes 0.00688; ESP Exome Variant Server 0.00725; ExAC 0.00743.
gnomAD v4.1: 13,597 of 1,613,232 alleles (0.84%); highest among the groups gnomAD compares: Non-Finnish European, 1%; 82 homozygotes.

Submissions (8):

CeGaT Center for Human Genetics Tuebingen
Classification: Likely benign. Last evaluated: 2026-09-01. Review status: criteria provided, single submitter. Criteria: CeGaT Center For Human Genetics Tuebingen Variant Classification Criteria Version 2. Collection method: clinical testing. Allele origin: germline. Affected: yes. Observed: 56 variant alleles.
Comment: TNNI3: BS2

ARUP Laboratories, Molecular Genetics and Genomics, ARUP Laboratories
Classification: Benign. Last evaluated: 2023-10-14. Review status: criteria provided, single submitter. Criteria: ARUP Molecular Germline Variant Investigation Process 2024. Collection method: clinical testing. Allele origin: germline.

CHEO Genetics Diagnostic Laboratory, Children's Hospital of Eastern Ontario
Classification: Benign for Cardiomyopathy. Last evaluated: 2018-02-06. Review status: criteria provided, single submitter. Criteria: ACMG Guidelines, 2015. Collection method: clinical testing. Allele origin: germline.

Illumina Laboratory Services, Illumina
Classification: Benign for Hypertrophic cardiomyopathy 7. Last evaluated: 2017-04-27. Review status: criteria provided, single submitter. Criteria: ICSL Variant Classification Criteria 13 December 2019. Collection method: clinical testing. Allele origin: germline.
Comment: This variant was observed as part of a predisposition screen in an ostensibly healthy population. A literature search was performed for the gene, cDNA change, and amino acid change (where applicable). Publications were found based on this search. The evidence from the literature, in combination with allele frequency data from public databases where available, was sufficient to rule this variant out of causing disease. Therefore, this variant is classified as benign.

Illumina Laboratory Services, Illumina
Classification: Likely benign for Cardiomyopathy, familial restrictive, 1. Last evaluated: 2017-04-27. Review status: criteria provided, single submitter. Criteria: ICSL Variant Classification Criteria 13 December 2019. Collection method: clinical testing. Allele origin: germline.
Comment: This variant was observed as part of a predisposition screen in an ostensibly healthy population. A literature search was performed for the gene, cDNA change, and amino acid change (where applicable). No publications were found based on this search. Allele frequency data from public databases allowed determination this variant is unlikely to cause disease. Therefore, this variant is classified as likely benign.

Illumina Laboratory Services, Illumina
Classification: Likely benign for Familial Hypertrophic Cardiomyopathy with Wolff-Parkinson-White Syndrome. Last evaluated: 2017-04-27. Review status: criteria provided, single submitter. Criteria: ICSL Variant Classification Criteria 13 December 2019. Collection method: clinical testing. Allele origin: germline.
Comment: the same text as in the submission from Illumina Laboratory Services, Illumina above.

Illumina Laboratory Services, Illumina
Classification: Uncertain significance for Dilated cardiomyopathy 2A. Last evaluated: 2017-04-27. Review status: criteria provided, single submitter. Criteria: ICSL Variant Classification Criteria 13 December 2019. Collection method: clinical testing. Allele origin: germline.

GeneDx
Classification: Benign. Last evaluated: 2015-03-03. Review status: criteria provided, single submitter. Criteria: GeneDx Variant Classification Process June 2021. Collection method: clinical testing. Allele origin: germline. Affected: yes.

Literature cited by the submitters: PubMed 25940119 (cited by Illumina Laboratory Services, Illumina).